The following is an entry in ClinVar:

NM_006208.3(ENPP1):c.*1101G>T

Gene: ENPP1 (ectonucleotide pyrophosphatase/phosphodiesterase 1; plus strand). Cytogenetic location: 6q23.2.
Variant type: single nucleotide variant.
Coding change: c.*1101G>T on transcript NM_006208.3 (MANE Select); 1101 bases downstream of the stop codon, G replaced by T.
Molecular consequence: 3 prime UTR variant.
Genome position (GRCh38, 1-based): chr6:131,891,612, G>T. VCF-style: chr6-131891612-G-T. GRCh37 (hg19) VCF-style: chr6-132212752-G-T.
Identifiers: ClinVar variation 355378 (VCV000355378.5), dbSNP rs11154647, ClinGen allele CA10622951.
Genomic context (GRCh38, chr6:131,891,612, plus strand): 5'-TTATCCCTACCTGTGAACCTTCAAAGACTGCATTAACTTTTAGGCTACATAGGTCCAATT[G>T]AGGTATAATATCAGTACACCAAAGATTTTTATATGTCCTTCGTGTGACCATTCTTCAACG-3'

ClinVar aggregate classification (germline): Benign. Review status: criteria provided, single submitter (1 of 4 stars). 2 submissions from 1 submitter: Benign (2). Last evaluated 2018-01-13.

Conditions:
Arterial calcification, generalized, of infancy, 1 (GACI1). Also called: Idiopathic Infantile Arterial Calcification. Identifiers: Orphanet 51608, MedGen C4551985, MONDO:0008817, OMIM 208000.
Hypophosphatemic rickets, autosomal recessive, 2 (ARHR2). Identifiers: Orphanet 289176, MedGen C2750078, MONDO:0013219, OMIM 613312.

Allele frequency attached by ClinVar (database versions not stated): gnomAD 0.11712 and 0.12369; 1000 Genomes Project 0.11721; 1000 Genomes Project 30x 0.12242; TOPMed 0.13057.

Submissions (2):

Illumina Laboratory Services, Illumina
Classification: Benign for Arterial calcification, generalized, of infancy, 1. Last evaluated: 2018-01-13. Review status: criteria provided, single submitter. Criteria: ICSL Variant Classification Criteria 13 December 2019. Collection method: clinical testing. Allele origin: germline.
Comment: This variant was observed in the ICSL laboratory as part of a predisposition screen in an ostensibly healthy population. It had not been previously curated by ICSL or reported in the Human Gene Mutation Database (HGMD: prior to June 1st, 2018), and was therefore a candidate for classification through an automated scoring system. Utilizing variant allele frequency, disease prevalence and penetrance estimates, and inheritance mode, an automated score was calculated to assess if this variant is too frequent to cause the disease. Based on the score and internal cut-off values, a variant classified as benign is not then subjected to further curation. The score for this variant resulted in a classification of benign for this disease.

Illumina Laboratory Services, Illumina
Classification: Benign for Hypophosphatemic rickets, autosomal recessive, 2. Last evaluated: 2018-01-13. Review status: criteria provided, single submitter. Criteria: ICSL Variant Classification Criteria 13 December 2019. Collection method: clinical testing. Allele origin: germline.
Comment: the same text as in the submission from Illumina Laboratory Services, Illumina above.